The following is an entry in ClinVar:

ClinVar aggregate classification (germline): Uncertain significance (1 of 4 stars; one submission).

Conditions:
Developmental and epileptic encephalopathy, 32 (DEE32). Also called: Epileptic encephalopathy, early infantile, 32. Identifiers: Orphanet 442835, MedGen C4225350, MONDO:0014607, OMIM 616366.

Submission:

Labcorp Genetics (formerly Invitae), Labcorp
Classification: Uncertain significance for Developmental and epileptic encephalopathy, 32. Last evaluated: 2019-11-04. Review status: criteria provided, single submitter. Criteria: Invitae Variant Classification Sherloc (09022015). Collection method: clinical testing. Allele origin: germline.
Comment: In summary, the available evidence is currently insufficient to determine the role of this variant in disease. Therefore, it has been classified as a Variant of Uncertain Significance. This variant disrupts the p.Pro405 amino acid residue in KCNA2. Other variant(s) that disrupt this residue have been determined to be pathogenic (PMID: 25751627). This suggests that this residue is clinically significant, and that variants that disrupt this residue are likely to be disease-causing. Algorithms developed to predict the effect of missense changes on protein structure and function (SIFT, PolyPhen-2, Align-GVGD) all suggest that this variant is likely to be disruptive, but these predictions have not been confirmed by published functional studies and their clinical significance is uncertain. This variant has not been reported in the literature in individuals with KCNA2-related conditions. This variant is not present in population databases (ExAC no frequency). This sequence change replaces proline with arginine at codon 405 of the KCNA2 protein (p.Pro405Arg). The proline residue is highly conserved and there is a moderate physicochemical difference between proline and arginine.

Literature cited by the submitters: PubMed 25751627.

NM_004974.4(KCNA2):c.1214C>G (p.Pro405Arg)

Gene: KCNA2 (potassium voltage-gated channel subfamily A member 2; minus strand). Cytogenetic location: 1p13.3.
Variant type: single nucleotide variant.
Coding change: c.1214C>G on transcript NM_004974.4 (MANE Select); coding-DNA position 1214, C replaced by G.
Protein change: p.Pro405Arg; replaces proline 405 with arginine.
Molecular consequence: missense variant. On other transcripts: intron variant (1).
Genome position (GRCh38, 1-based): chr1:110,603,569, G>C on the plus strand (C>G on the coding strand, the complement: KCNA2 is on the minus strand). VCF-style: chr1-110603569-G-C. GRCh37 (hg19) VCF-style: chr1-111146191-G-C.
Other names: c.894+320C>G (NM_001204269.2); short protein forms P405R.
Identifiers: ClinVar variation 966763 (VCV000966763.10), dbSNP rs876657389, ClinGen allele CA341601297.